The following is an entry in ClinVar:

NM_005219.5(DIAPH1):c.596A>G (p.His199Arg)

Gene: DIAPH1 (diaphanous related formin 1; minus strand). Cytogenetic location: 5q31.3.
Variant type: single nucleotide variant.
Coding change: c.596A>G on transcript NM_005219.5 (MANE Select); coding-DNA position 596, A replaced by G.
Protein change: p.His199Arg; replaces histidine 199 with arginine.
Molecular consequence: missense variant.
Genome position (GRCh38, 1-based): chr5:141,583,230, T>C on the plus strand (A>G on the coding strand, the complement: DIAPH1 is on the minus strand). VCF-style: chr5-141583230-T-C. GRCh37 (hg19) VCF-style: chr5-140962797-T-C.
Other names: c.569A>G, p.His190Arg (NM_001079812.3); c.596A>G, p.His199Arg (NM_001314007.2); short protein forms H199R, H190R.
Identifiers: ClinVar variation 1372479 (VCV001372479.8), dbSNP rs2154596588, ClinGen allele CA361540655.

ClinVar aggregate classification (germline): Uncertain significance (1 of 4 stars; one submission).

Conditions:
Autosomal dominant nonsyndromic hearing loss 1. Also called: KONIGSMARK SYNDROME; DEAFNESS, AUTOSOMAL DOMINANT 1, WITH OR WITHOUT THROMBOCYTOPENIA. Identifiers: Orphanet 90635, MedGen C1852282, MONDO:0007424, OMIM 124900.
Progressive microcephaly-seizures-cortical blindness-developmental delay syndrome. Also called: Seizures, cortical blindness, and microcephaly syndrome. Identifiers: Orphanet 477814, MedGen C5567650, MONDO:0014714, OMIM 616632.

gnomAD v4.1: 11 of 1,614,216 alleles (0.00068%); highest among the groups gnomAD compares: Non-Finnish European, 0.00076%; no homozygotes.

Submission:

Labcorp Genetics (formerly Invitae), Labcorp
Classification: Uncertain significance for Progressive microcephaly-seizures-cortical blindness-developmental delay syndrome; Autosomal dominant nonsyndromic hearing loss 1. Last evaluated: 2023-06-27. Review status: criteria provided, single submitter. Criteria: Invitae Variant Classification Sherloc (09022015). Collection method: clinical testing. Allele origin: germline.
Comment: In summary, the available evidence is currently insufficient to determine the role of this variant in disease. Therefore, it has been classified as a Variant of Uncertain Significance. Experimental studies and prediction algorithms are not available or were not evaluated, and the functional significance of this variant is currently unknown. ClinVar contains an entry for this variant (Variation ID: 1372479). This variant has not been reported in the literature in individuals affected with DIAPH1-related conditions. This variant is not present in population databases (gnomAD no frequency). This sequence change replaces histidine, which is basic and polar, with arginine, which is basic and polar, at codon 199 of the DIAPH1 protein (p.His199Arg).